The following is an entry in ClinVar:

ClinVar aggregate classification (germline): Uncertain significance (1 of 4 stars; one submission).

Submission:

Labcorp Genetics (formerly Invitae), Labcorp
Classification: Uncertain significance. Last evaluated: 2022-09-21. Review status: criteria provided, single submitter. Criteria: Invitae Variant Classification Sherloc (09022015). Collection method: clinical testing. Allele origin: germline.
Comment: In summary, the available evidence is currently insufficient to determine the role of this variant in disease. Therefore, it has been classified as a Variant of Uncertain Significance. This variant disrupts the p.Cys142 amino acid residue in RS1. Other variant(s) that disrupt this residue have been observed in individuals with RS1-related conditions (PMID: 10533068, 20061330, 32300273), which suggests that this may be a clinically significant amino acid residue. Algorithms developed to predict the effect of missense changes on protein structure and function (SIFT, PolyPhen-2, Align-GVGD) all suggest that this variant is likely to be tolerated. This missense change has been observed in individual(s) with retinoschisis (Invitae). This variant is not present in population databases (gnomAD no frequency). This sequence change replaces cysteine, which is neutral and slightly polar, with glycine, which is neutral and non-polar, at codon 142 of the RS1 protein (p.Cys142Gly).

Literature cited by the submitters: PubMed 10533068; PubMed 20061330; PubMed 32300273.

NM_000330.4(RS1):c.424T>G (p.Cys142Gly)

Genes: CDKL5 (cyclin dependent kinase like 5; plus strand), RS1 (retinoschisin 1; minus strand). Cytogenetic location: Xp22.13.
Variant type: single nucleotide variant.
Coding change: c.424T>G on transcript NM_000330.4 (MANE Select); coding-DNA position 424, T replaced by G.
Protein change: p.Cys142Gly; replaces cysteine 142 with glycine.
Molecular consequence: missense variant. On other transcripts: intron variant (2).
Genome position (GRCh38, 1-based): chrX:18,644,528, A>C on the plus strand (T>G on the coding strand, the complement: RS1 is on the minus strand). VCF-style: chrX-18644528-A-C. GRCh37 (hg19) VCF-style: chrX-18662648-A-C.
Other names: c.2714-1479A>C (NM_003159.3, NM_001037343.2); short protein forms C142G.
Identifiers: ClinVar variation 2031641 (VCV002031641.4), dbSNP rs2518919789, ClinGen allele CA412371843.